The following is an entry in ClinVar:

ClinVar aggregate classification (germline): Uncertain significance. Review status: criteria provided, multiple submitters, no conflicts (2 of 4 stars). 3 submissions from 3 submitters: Uncertain significance (3). Last evaluated 2024-01-26.

Conditions:
Dyskinesia with orofacial involvement, autosomal dominant (DSKOD). Also called: Dyskinesia, familial, with facial myokymia; Familial dyskinesia and facial myokymia; Familial Dyskinesia with Facial Myokymia (FDFM). Identifiers: Orphanet 324588, MedGen C1847627, MONDO:0800028, OMIM 606703.

Allele frequency attached by ClinVar (database versions not stated): gnomAD exomes below 0.00001; ExAC 0.00001.
gnomAD v4.1: 6 of 1,613,980 alleles (0.00037%); highest among the groups gnomAD compares: South Asian, 0.0011%; no homozygotes.

Submissions (3):

Labcorp Genetics (formerly Invitae), Labcorp
Classification: Uncertain significance. Last evaluated: 2024-01-26. Review status: criteria provided, single submitter. Criteria: Invitae Variant Classification Sherloc (09022015). Collection method: clinical testing. Allele origin: germline.
Comment: This sequence change replaces arginine, which is basic and polar, with tryptophan, which is neutral and slightly polar, at codon 1057 of the ADCY5 protein (p.Arg1057Trp). This variant is present in population databases (rs764692395, gnomAD 0.003%). This variant has not been reported in the literature in individuals affected with ADCY5-related conditions. ClinVar contains an entry for this variant (Variation ID: 389810). Advanced modeling of protein sequence and biophysical properties (such as structural, functional, and spatial information, amino acid conservation, physicochemical variation, residue mobility, and thermodynamic stability) performed at Invitae indicates that this missense variant is expected to disrupt ADCY5 protein function with a positive predictive value of 95%. In summary, the available evidence is currently insufficient to determine the role of this variant in disease. Therefore, it has been classified as a Variant of Uncertain Significance.

MGZ Medical Genetics Center
Classification: Uncertain significance for Dyskinesia with orofacial involvement, autosomal dominant. Last evaluated: 2022-05-03. Review status: criteria provided, single submitter. Criteria: ACMG Guidelines, 2015. Collection method: clinical testing. Allele origin: germline. Affected: yes. Observed: 1 variant allele.
Comment: ACMG criteria applied: PM2_SUP, PP3

GeneDx
Classification: Uncertain significance. Last evaluated: 2016-10-14. Review status: criteria provided, single submitter. Criteria: GeneDx Variant Classification (06012015). Collection method: clinical testing. Allele origin: germline. Affected: yes.
Comment: The R1057W variant in the ADCY5 gene has not been reported previously as a pathogenic variant, nor as a benign variant, to our knowledge. The R1057W variant was not observed in approximately 6500 individuals of European and African American ancestry in the NHLBI Exome Sequencing Project, indicating it is not a common benign variant in these populations. The R1057W variant is a non-conservative amino acid substitution, which is likely to impact secondary protein structure as these residues differ in polarity, charge, size and/or other properties. This substitution occurs at a position that is conserved across species. In silico analysis predicts this variant is probably damaging to the protein structure/function. Therefore, we interpret R1057W as a variant of uncertain significance.

NM_183357.3(ADCY5):c.3169C>T (p.Arg1057Trp)

Gene: ADCY5 (adenylate cyclase 5; minus strand). Cytogenetic location: 3q21.1.
Variant type: single nucleotide variant.
Coding change: c.3169C>T on transcript NM_183357.3 (MANE Select); coding-DNA position 3169, C replaced by T.
Protein change: p.Arg1057Trp; replaces arginine 1057 with tryptophan.
Molecular consequence: missense variant.
Genome position (GRCh38, 1-based): chr3:123,291,271, G>A on the plus strand (C>T on the coding strand, the complement: ADCY5 is on the minus strand). VCF-style: chr3-123291271-G-A. GRCh37 (hg19) VCF-style: chr3-123010118-G-A.
Other names: c.2119C>T, p.Arg707Trp (NM_001199642.1); c.3244C>T, p.Arg1082Trp (NM_001378259.1); short protein forms R1057W, R707W, R1082W.
Identifiers: ClinVar variation 389810 (VCV000389810.6), dbSNP rs764692395, ClinGen allele CA2576836.